The following is an entry in ClinVar:

NM_001378452.1(ITPR1):c.6383A>T (p.Glu2128Val)

Gene: ITPR1 (inositol 1,4,5-trisphosphate receptor type 1; plus strand). Cytogenetic location: 3p26.1.
Variant type: single nucleotide variant.
Coding change: c.6383A>T on transcript NM_001378452.1 (MANE Select); coding-DNA position 6383, A replaced by T.
Protein change: p.Glu2128Val; replaces glutamic acid 2128 with valine.
Molecular consequence: missense variant.
Genome position (GRCh38, 1-based): chr3:4,779,641, A>T. VCF-style: chr3-4779641-A-T. GRCh37 (hg19) VCF-style: chr3-4821325-A-T.
Other names: c.6239A>T, p.Glu2080Val (NM_001099952.4); c.6338A>T, p.Glu2113Val (NM_001168272.2); c.6194A>T, p.Glu2065Val (NM_002222.7); short protein forms E2128V, E2065V, E2113V, E2080V.
Identifiers: ClinVar variation 902786 (VCV000902786.8), dbSNP rs2046693194, ClinGen allele CA351638462.
Genomic context (GRCh38, chr3:4,779,641, plus strand): 5'-TGGAAAGCAGGCACGACAGTGAAAACGCAGAGAGGATACTTTATAACATGAGGCCCAAGG[A>T]ACTGGTGAGTCGGGTGACGGATCTGATGGTAGCACCAAGGAGCATTGCGACGATATTTGG-3'
Protein context (NP_001365381.1, residues 2118-2138): ERILYNMRPK[Glu2128Val]LVEVIKKAYM

ClinVar aggregate classification (germline): Uncertain significance. Review status: criteria provided, multiple submitters, no conflicts (2 of 4 stars). 2 submissions from 2 submitters: Uncertain significance (2). Last evaluated 2022-02-05.

Conditions:
Autosomal dominant cerebellar ataxia. Also called: Spinocerebellar Ataxia, Dominant. Identifiers: Orphanet 99, MedGen C4087347, MONDO:0020380.

Allele frequency attached by ClinVar (database versions not stated): gnomAD exomes below 0.00001.
gnomAD v4.1: 1 of 1,607,108 alleles (0.000062%); highest among the groups gnomAD compares: Non-Finnish European, 0.000085%; no homozygotes.

Submissions (2):

Labcorp Genetics (formerly Invitae), Labcorp
Classification: Uncertain significance. Last evaluated: 2022-02-05. Review status: criteria provided, single submitter. Criteria: Invitae Variant Classification Sherloc (09022015). Collection method: clinical testing. Allele origin: germline.
Comment: Algorithms developed to predict the effect of sequence changes on RNA splicing suggest that this variant may create or strengthen a splice site. In summary, the available evidence is currently insufficient to determine the role of this variant in disease. Therefore, it has been classified as a Variant of Uncertain Significance. Algorithms developed to predict the effect of missense changes on protein structure and function are either unavailable or do not agree on the potential impact of this missense change (SIFT: "Deleterious"; PolyPhen-2: "Possibly Damaging"; Align-GVGD: "Class C0"). This sequence change replaces glutamic acid, which is acidic and polar, with valine, which is neutral and non-polar, at codon 2065 of the ITPR1 protein (p.Glu2065Val). This variant is not present in population databases (gnomAD no frequency). This variant has not been reported in the literature in individuals affected with ITPR1-related conditions. ClinVar contains an entry for this variant (Variation ID: 902786).

Illumina Laboratory Services, Illumina
Classification: Uncertain significance for Spinocerebellar Ataxia, Dominant. Last evaluated: 2018-01-13. Review status: criteria provided, single submitter. Criteria: ICSL Variant Classification Criteria 13 December 2019. Collection method: clinical testing. Allele origin: germline.